The following is an entry in ClinVar:

NM_001378615.1(CC2D2A):c.2487-3C>T

Genes: CC2D2A (coiled-coil and C2 domain containing 2A; plus strand), FBXL5 (F-box and leucine rich repeat protein 5; minus strand). Cytogenetic location: 4p15.32.
Variant type: single nucleotide variant.
Coding change: c.2487-3C>T on transcript NM_001378615.1 (MANE Select); 3 bases into the intron before coding-DNA position 2487, C replaced by T.
Molecular consequence: intron variant.
Genome position (GRCh38, 1-based): chr4:15,555,069, C>T. VCF-style: chr4-15555069-C-T. GRCh37 (hg19) VCF-style: chr4-15556692-C-T.
Other names: c.2487-3C>T (NM_001080522.2); c.2340-3C>T (NM_001378617.1).
Identifiers: ClinVar variation 2936738 (VCV002936738.3), dbSNP rs2475032934, ClinGen allele CA2670075448.
Genomic context (GRCh38, chr4:15,555,069, plus strand): 5'-GAGGTCCTGATGCAAACTGTTCTGTGGTCAAGTCAGTCTCATGGAATCAACTCTTCTTTT[C>T]AGTGCTTTGAAGAAAGCAGATGCCATCTCATCTATTGGCACATCAGGACTGACAGACATG-3'

ClinVar aggregate classification (germline): Uncertain significance (1 of 4 stars; one submission).

Conditions:
Joubert syndrome. Also called: JOUBERT-BOLTSHAUSER SYNDROME; Familial aplasia of the vermis. Identifiers: Orphanet 475, MedGen C5979921, MONDO:0018772.
Meckel-Gruber syndrome. Also called: DYSENCEPHALIA SPLANCHNOCYSTICA; GRUBER SYNDROME; Dysencephalia splachnocystica. Identifiers: Orphanet 564, MedGen C0265215, MONDO:0018921.

Allele frequency attached by ClinVar (database versions not stated): gnomAD exomes below 0.00001.
gnomAD v4.1: 1 of 1,607,538 alleles (0.000062%); highest among the groups gnomAD compares: South Asian, 0.0011%; no homozygotes.

Submission:

Labcorp Genetics (formerly Invitae), Labcorp
Classification: Uncertain significance for Joubert syndrome; Meckel-Gruber syndrome. Last evaluated: 2024-09-06. Review status: criteria provided, single submitter. Criteria: Invitae Variant Classification Sherloc (09022015). Collection method: clinical testing. Allele origin: germline.
Comment: This sequence change falls in intron 20 of the CC2D2A gene. It does not directly change the encoded amino acid sequence of the CC2D2A protein. It affects a nucleotide within the consensus splice site. This variant is not present in population databases (gnomAD no frequency). This variant has not been reported in the literature in individuals affected with CC2D2A-related conditions. Variants that disrupt the consensus splice site are a relatively common cause of aberrant splicing (PMID: 17576681, 9536098). Algorithms developed to predict the effect of sequence changes on RNA splicing suggest that this variant is not likely to affect RNA splicing. In summary, the available evidence is currently insufficient to determine the role of this variant in disease. Therefore, it has been classified as a Variant of Uncertain Significance.

Literature cited by the submitters: PubMed 17576681; PubMed 9536098.